The following is an entry in ClinVar:

ClinVar aggregate classification (germline): Uncertain significance (1 of 4 stars; one submission).

Conditions:
Ichthyosis linearis circumflexa. Identifiers: MedGen C0265962, MONDO:0043106, HP:0025810.

Allele frequency attached by ClinVar (database versions not stated): gnomAD 0.00001.
gnomAD v4.1: 1 of 1,614,032 alleles (0.000062%); no homozygotes.

Submission:

Labcorp Genetics (formerly Invitae), Labcorp
Classification: Uncertain significance for Ichthyosis linearis circumflexa. Last evaluated: 2024-06-29. Review status: criteria provided, single submitter. Criteria: Invitae Variant Classification Sherloc (09022015). Collection method: clinical testing. Allele origin: germline.
Comment: This sequence change replaces histidine, which is basic and polar, with leucine, which is neutral and non-polar, at codon 693 of the SPINK5 protein (p.His693Leu). This variant is not present in population databases (gnomAD no frequency). This variant has not been reported in the literature in individuals affected with SPINK5-related conditions. ClinVar contains an entry for this variant (Variation ID: 1492246). Advanced modeling of protein sequence and biophysical properties (such as structural, functional, and spatial information, amino acid conservation, physicochemical variation, residue mobility, and thermodynamic stability) performed at Invitae indicates that this missense variant is not expected to disrupt SPINK5 protein function with a negative predictive value of 80%. In summary, the available evidence is currently insufficient to determine the role of this variant in disease. Therefore, it has been classified as a Variant of Uncertain Significance.

NM_006846.4(SPINK5):c.2078A>T (p.His693Leu)

Gene: SPINK5 (serine peptidase inhibitor Kazal type 5; plus strand). Cytogenetic location: 5q32.
Variant type: single nucleotide variant.
Coding change: c.2078A>T on transcript NM_006846.4 (MANE Select); coding-DNA position 2078, A replaced by T.
Protein change: p.His693Leu; replaces histidine 693 with leucine.
Molecular consequence: missense variant.
Genome position (GRCh38, 1-based): chr5:148,116,432, A>T. VCF-style: chr5-148116432-A-T. GRCh37 (hg19) VCF-style: chr5-147495995-A-T.
Other names: c.2078A>T, p.His693Leu (NM_001127698.2, NM_001127699.2); short protein forms H693L.
Identifiers: ClinVar variation 1492246 (VCV001492246.8), dbSNP rs1033612713, ClinGen allele CA128933739.